The following is an entry in ClinVar:

NM_001042492.3(NF1):c.3623T>C (p.Leu1208Ser)

Gene: NF1 (neurofibromin 1; plus strand). Cytogenetic location: 17q11.2.
Variant type: single nucleotide variant.
Coding change: c.3623T>C on transcript NM_001042492.3 (MANE Select); coding-DNA position 3623, T replaced by C.
Protein change: p.Leu1208Ser; replaces leucine 1208 with serine.
Molecular consequence: missense variant.
Genome position (GRCh38, 1-based): chr17:31,233,128, T>C. VCF-style: chr17-31233128-T-C. GRCh37 (hg19) VCF-style: chr17-29560146-T-C.
Other names: c.3623T>C, p.Leu1208Ser (NM_000267.4); short protein forms L1208S.
Identifiers: ClinVar variation 527554 (VCV000527554.9), dbSNP rs1060500374, ClinGen allele CA398990347.

ClinVar aggregate classification (germline): Uncertain significance. Review status: criteria provided, multiple submitters, no conflicts (2 of 4 stars). 3 submissions from 3 submitters: Uncertain significance (3). Last evaluated 2025-07-31.

Conditions:
Neurofibromatosis, type 1 (NF1). Also called: VON RECKLINGHAUSEN DISEASE; NEUROFIBROMATOSIS, TYPE I, SOMATIC; Peripheral type neurofibromatosis; Neurofibromatosis, type I. Identifiers: Orphanet 636, MedGen C0027831, MONDO:0018975, OMIM 162200. Disease mechanism: loss of function.

Submissions (3):

Labcorp Genetics (formerly Invitae), Labcorp
Classification: Uncertain significance for Neurofibromatosis, type 1. Last evaluated: 2025-07-31. Review status: criteria provided, single submitter. Criteria: Invitae Variant Classification Sherloc (09022015). Collection method: clinical testing. Allele origin: germline.
Comment: This sequence change replaces leucine, which is neutral and non-polar, with serine, which is neutral and polar, at codon 1208 of the NF1 protein (p.Leu1208Ser). This variant is not present in population databases (gnomAD no frequency). This variant has not been reported in the literature in individuals affected with NF1-related conditions. ClinVar contains an entry for this variant (Variation ID: 527554). Invitae Evidence Modeling of protein sequence and biophysical properties (such as structural, functional, and spatial information, amino acid conservation, physicochemical variation, residue mobility, and thermodynamic stability) indicates that this missense variant is expected to disrupt NF1 protein function with a positive predictive value of 95%. In summary, the available evidence is currently insufficient to determine the role of this variant in disease. Therefore, it has been classified as a Variant of Uncertain Significance.

GeneDx
Classification: Uncertain significance. Last evaluated: 2025-05-05. Review status: criteria provided, single submitter. Criteria: GeneDx Variant Classification Process June 2021. Collection method: clinical testing. Allele origin: germline. Affected: yes.
Comment: Not observed at significant frequency in large population cohorts (gnomAD); In silico analysis supports that this missense variant has a deleterious effect on protein structure/function; Has not been previously published as pathogenic or benign to our knowledge; This variant is associated with the following publications: (PMID: 25486365, 22807134)

Genome-Nilou Lab
Classification: Uncertain significance for Neurofibromatosis, type 1. Last evaluated: 2022-03-15. Review status: criteria provided, single submitter. Criteria: ACMG Guidelines, 2015. Collection method: clinical testing. Allele origin: germline. Affected: no.